The following is an entry in ClinVar:

ClinVar aggregate classification (germline): Uncertain significance (1 of 4 stars; one submission).

Allele frequency attached by ClinVar (database versions not stated): 1000 Genomes Project 30x 0.00016; 1000 Genomes Project 0.00020.
gnomAD v4.1: 2 of 1,611,886 alleles (0.00012%); highest among the groups gnomAD compares: East Asian, 0.0022%; no homozygotes.

Submission:

Labcorp Genetics (formerly Invitae), Labcorp
Classification: Uncertain significance. Last evaluated: 2022-06-30. Review status: criteria provided, single submitter. Criteria: Invitae Variant Classification Sherloc (09022015). Collection method: clinical testing. Allele origin: germline.
Comment: This sequence change replaces proline, which is neutral and non-polar, with arginine, which is basic and polar, at codon 1759 of the MCM3AP protein (p.Pro1759Arg). This variant is not present in population databases (gnomAD no frequency). This variant has not been reported in the literature in individuals affected with MCM3AP-related conditions. Algorithms developed to predict the effect of missense changes on protein structure and function are either unavailable or do not agree on the potential impact of this missense change (SIFT: "Deleterious"; PolyPhen-2: "Probably Damaging"; Align-GVGD: "Class C0"). In summary, the available evidence is currently insufficient to determine the role of this variant in disease. Therefore, it has been classified as a Variant of Uncertain Significance.

NM_003906.5(MCM3AP):c.5276C>G (p.Pro1759Arg)

Genes: MCM3AP (minichromosome maintenance complex component 3 associated protein; minus strand), MCM3AP-AS1 (MCM3AP antisense RNA 1; plus strand). Cytogenetic location: 21q22.3.
Variant type: single nucleotide variant.
Coding change: c.5276C>G on transcript NM_003906.5 (MANE Select); coding-DNA position 5276, C replaced by G.
Protein change: p.Pro1759Arg; replaces proline 1759 with arginine.
Molecular consequence: missense variant.
Genome position (GRCh38, 1-based): chr21:46,243,485, G>C on the plus strand (C>G on the coding strand, the complement: MCM3AP is on the minus strand). VCF-style: chr21-46243485-G-C. GRCh37 (hg19) VCF-style: chr21-47663399-G-C.
Other names: short protein forms P1759R.
Identifiers: ClinVar variation 2091014 (VCV002091014.4), dbSNP rs201207310, ClinGen allele CA321977299.